The following is an entry in ClinVar:

ClinVar aggregate classification (germline): Pathogenic. Review status: reviewed by expert panel (3 of 4 stars). 2 submissions from 2 submitters: Pathogenic (1). 1 of the submissions does not count toward it. Last evaluated 2016-09-08.

Conditions:
Breast-ovarian cancer, familial, susceptibility to, 2 (BROVCA2). Also called: BRCA2 Hereditary Breast and Ovarian Cancer. Identifiers: Orphanet 145, MedGen C2675520, MONDO:0012933, OMIM 612555. Disease mechanism: loss of function.
Hereditary breast ovarian cancer syndrome. Also called: Hereditary breast and/or ovarian cancer syndrome; Hereditary breast and ovarian cancer syndrome; BRCA1- and BRCA2-Associated Hereditary Breast and Ovarian Cancer; Hereditary breast and ovarian cancer; Hereditary breast and ovarian cancer syndrome (HBOC); Breast and ovarian cancer. Identifiers: Orphanet 145, MedGen C0677776, MeSH D061325, MONDO:0003582. Disease mechanism: loss of function.

Submissions (2):

Evidence-based Network for the Interpretation of Germline Mutant Alleles (ENIGMA)
Classification: Pathogenic for Breast-ovarian cancer, familial, susceptibility to, 2. Last evaluated: 2016-09-08. Review status: reviewed by expert panel. Criteria: ENIGMA BRCA1/2 Classification Criteria (2015). Collection method: curation. Allele origin: germline.
Comment: Variant allele predicted to encode a truncated non-functional protein.

Curoverse
Classification: Pathogenic for BRCA1 and BRCA2 Hereditary Breast and Ovarian Cancer. Last evaluated: 2015-08-01. Review status: no assertion criteria provided. Collection method: research. Allele origin: germline. Affected: yes. Observed: 1 variant allele. Not counted in ClinVar's aggregate classification.
Comment: Frameshifts in BRCA2 are considered pathogenic, and this is a BRCA2 Phe1866Leu frameshift variant in exon 11

Literature cited by the submitters: PMC 3583621 (cited by Curoverse); DOI 10.1001/jama.2011.678 (cited by Curoverse).

NM_000059.4(BRCA2):c.5595_5596delinsC (p.Phe1866fs)

Gene: BRCA2 (BRCA2 DNA repair associated; plus strand). Cytogenetic location: 13q13.1.
Variant type: Indel.
Coding change: c.5595_5596delinsC on transcript NM_000059.4 (MANE Select); coding-DNA positions 5595 to 5596, AT replaced by C.
Protein change: p.Phe1866fs; shifts the reading frame from phenylalanine 1866.
Molecular consequence: frameshift variant.
Genome position (GRCh38, 1-based): chr13:32,339,950-32,339,951, AT replaced by C. VCF-style: chr13-32339950-AT-C. GRCh37 (hg19) VCF-style: chr13-32914087-AT-C.
Other names: c.5595_5596delATinsC (NM_000059.3); short protein forms F1866fs.
Identifiers: ClinVar variation 208421 (VCV000208421.3), dbSNP rs797044987, ClinGen allele CA280073.
Genomic context (GRCh38, chr13:32,339,950, plus strand): 5'-GATAGCCAGTGGTAAAATCGTTTGTGTTTCACATGAAACAATTAAAAAAGTGAAAGACAT[AT>C]TTACAGACAGTTTCAGTAAAGTAATTAAGGAAAACAACGAGAATAAATCAAAAATTTGCC-3'